The following is an entry in ClinVar:

NM_003193.5(TBCE):c.569A>T (p.Lys190Ile)

Gene: TBCE (tubulin folding cofactor E; plus strand). Cytogenetic location: 1q42.3.
Variant type: single nucleotide variant.
Coding change: c.569A>T on transcript NM_003193.5 (MANE Select); coding-DNA position 569, A replaced by T.
Protein change: p.Lys190Ile; replaces lysine 190 with isoleucine.
Molecular consequence: missense variant.
Genome position (GRCh38, 1-based): chr1:235,430,713, A>T. VCF-style: chr1-235430713-A-T. GRCh37 (hg19) VCF-style: chr1-235594028-A-T.
Other names: c.569A>T, p.Lys190Ile (NM_001079515.3, NM_001287801.2); c.230A>T, p.Lys77Ile (NM_001287802.2); short protein forms K77I, K190I.
Identifiers: ClinVar variation 1930561 (VCV001930561.2), dbSNP rs150592371, ClinGen allele CA1464085.

ClinVar aggregate classification (germline): Uncertain significance (1 of 4 stars; one submission).

gnomAD v4.1: 16 of 1,612,378 alleles (0.00099%); highest among the groups gnomAD compares: East Asian, 0.036%; no homozygotes.

Submission:

Labcorp Genetics (formerly Invitae), Labcorp
Classification: Uncertain significance. Last evaluated: 2022-03-04. Review status: criteria provided, single submitter. Criteria: Invitae Variant Classification Sherloc (09022015). Collection method: clinical testing. Allele origin: germline.
Comment: This sequence change replaces lysine, which is basic and polar, with isoleucine, which is neutral and non-polar, at codon 190 of the TBCE protein (p.Lys190Ile). This variant is present in population databases (rs150592371, gnomAD 0.1%). This variant has not been reported in the literature in individuals affected with TBCE-related conditions. Algorithms developed to predict the effect of missense changes on protein structure and function are either unavailable or do not agree on the potential impact of this missense change (SIFT: "Deleterious"; PolyPhen-2: "Benign"; Align-GVGD: "Class C35"). In summary, the available evidence is currently insufficient to determine the role of this variant in disease. Therefore, it has been classified as a Variant of Uncertain Significance.